The following is an entry in ClinVar:

ClinVar aggregate classification (germline): Uncertain significance (1 of 4 stars; one submission).

Conditions:
Chuvash polycythemia. Also called: POLYCYTHEMIA, VHL-DEPENDENT. Identifiers: Orphanet 238557, MedGen C1837915, MONDO:0009892, OMIM 263400.
Von Hippel-Lindau syndrome (VHLS). Also called: von Hippel–Lindau syndrome; VHL syndrome; Von Hippel-Lindau. Identifiers: Orphanet 892, MedGen C0019562, MONDO:0008667, OMIM 193300. Disease mechanism: loss of function.

Submission:

Labcorp Genetics (formerly Invitae), Labcorp
Classification: Uncertain significance for Von Hippel-Lindau syndrome; Chuvash polycythemia. Last evaluated: 2025-01-06. Review status: criteria provided, single submitter. Criteria: Invitae Variant Classification Sherloc (09022015). Collection method: clinical testing. Allele origin: germline.
Comment: This variant occurs in a non-coding region of the VHL gene. It does not change the encoded amino acid sequence of the VHL protein. This variant is not present in population databases (gnomAD no frequency). This variant has not been reported in the literature in individuals affected with VHL-related conditions. In summary, the available evidence is currently insufficient to determine the role of this variant in disease. Therefore, it has been classified as a Variant of Uncertain Significance.

NM_000551.4(VHL):c.-56C>T

Gene: VHL (von Hippel-Lindau tumor suppressor; plus strand). Cytogenetic location: 3p25.3.
Variant type: single nucleotide variant.
Coding change: c.-56C>T on transcript NM_000551.4 (MANE Select); 56 bases upstream of the start codon, C replaced by T.
Molecular consequence: 5 prime UTR variant. On other transcripts: non-coding transcript variant (1).
Genome position (GRCh38, 1-based): chr3:10,141,792, C>T. VCF-style: chr3-10141792-C-T. GRCh37 (hg19) VCF-style: chr3-10183476-C-T.
Other names: c.-56C>T (NM_001354723.2, NM_198156.3).
Identifiers: ClinVar variation 3758762 (VCV003758762.2).